The following is an entry in ClinVar:

ClinVar aggregate classification (germline): Likely benign (0 of 4 stars; one submission).

Conditions:
GRIK2-related disorder. Also called: GRIK2-related condition.

Allele frequency attached by ClinVar (database versions not stated): gnomAD exomes below 0.00001; gnomAD 0.00001; TOPMed 0.00001.
gnomAD v4.1: 2 of 1,551,016 alleles (0.00013%); highest among the groups gnomAD compares: Non-Finnish European, 0.00018%; no homozygotes.

Submission:

PreventionGenetics, part of Exact Sciences
Classification: Likely benign for GRIK2-related condition. Last evaluated: 2019-07-18. Review status: no assertion criteria provided. Collection method: clinical testing. Allele origin: germline.
Comment: This variant is classified as likely benign based on ACMG/AMP sequence variant interpretation guidelines (Richards et al. 2015 PMID: 25741868, with internal and published modifications).

NM_021956.5(GRIK2):c.1204-3T>C

Gene: GRIK2 (glutamate ionotropic receptor kainate type subunit 2; plus strand). Cytogenetic location: 6q16.3.
Variant type: single nucleotide variant.
Coding change: c.1204-3T>C on transcript NM_021956.5 (MANE Select); 3 bases into the intron before coding-DNA position 1204, T replaced by C.
Molecular consequence: intron variant.
Genome position (GRCh38, 1-based): chr6:101,818,367, T>C. VCF-style: chr6-101818367-T-C. GRCh37 (hg19) VCF-style: chr6-102266242-T-C.
Other names: c.1204-3T>C (NM_175768.3, NM_001166247.1).
Identifiers: ClinVar variation 3050706 (VCV003050706.2), dbSNP rs1259163258, ClinGen allele CA569319834.